The following is an entry in ClinVar:

ClinVar aggregate classification (germline): Uncertain significance (1 of 4 stars; one submission).

Conditions:
FG syndrome (FGS). Identifiers: MedGen C0220769, MONDO:0002010.

Submission:

Labcorp Genetics (formerly Invitae), Labcorp
Classification: Uncertain significance for FG syndrome. Last evaluated: 2024-07-15. Review status: criteria provided, single submitter. Criteria: Invitae Variant Classification Sherloc (09022015). Collection method: clinical testing. Allele origin: germline.
Comment: This sequence change replaces isoleucine, which is neutral and non-polar, with valine, which is neutral and non-polar, at codon 230 of the MED12 protein (p.Ile230Val). This variant is not present in population databases (gnomAD no frequency). This variant has not been reported in the literature in individuals affected with MED12-related conditions. Advanced modeling of protein sequence and biophysical properties (such as structural, functional, and spatial information, amino acid conservation, physicochemical variation, residue mobility, and thermodynamic stability) performed at Invitae indicates that this missense variant is not expected to disrupt MED12 protein function with a negative predictive value of 95%. In summary, the available evidence is currently insufficient to determine the role of this variant in disease. Therefore, it has been classified as a Variant of Uncertain Significance.

NM_005120.3(MED12):c.688A>G (p.Ile230Val)

Gene: MED12 (mediator complex subunit 12; plus strand). Cytogenetic location: Xq13.1.
Variant type: single nucleotide variant.
Coding change: c.688A>G on transcript NM_005120.3 (MANE Select); coding-DNA position 688, A replaced by G.
Protein change: p.Ile230Val; replaces isoleucine 230 with valine.
Molecular consequence: missense variant.
Genome position (GRCh38, 1-based): chrX:71,121,105, A>G. VCF-style: chrX-71121105-A-G. GRCh37 (hg19) VCF-style: chrX-70340955-A-G.
Other names: short protein forms I230V.
Identifiers: ClinVar variation 3634945 (VCV003634945.2).